The following is an entry in ClinVar:

ClinVar aggregate classification (germline): Uncertain significance (1 of 4 stars; one submission).

gnomAD v4.1: 1 of 1,614,168 alleles (0.000062%); highest among the groups gnomAD compares: South Asian, 0.0011%; no homozygotes.

Submission:

GeneDx
Classification: Uncertain significance. Last evaluated: 2025-08-05. Review status: criteria provided, single submitter. Criteria: GeneDx Variant Classification Process June 2021. Collection method: clinical testing. Allele origin: germline. Affected: yes.
Comment: Not observed at significant frequency in large population cohorts (gnomAD); In silico analysis supports that this missense variant has a deleterious effect on protein structure/function; Has not been previously published as pathogenic or benign to our knowledge

NM_002506.3(NGF):c.608C>A (p.Thr203Lys)

Genes: NGF (nerve growth factor; minus strand), NGF-AS1 (NGF antisense RNA 1; plus strand). Cytogenetic location: 1p13.2.
Variant type: single nucleotide variant.
Coding change: c.608C>A on transcript NM_002506.3 (MANE Select); coding-DNA position 608, C replaced by A.
Protein change: p.Thr203Lys; replaces threonine 203 with lysine.
Molecular consequence: missense variant.
Genome position (GRCh38, 1-based): chr1:115,286,188, G>T on the plus strand (C>A on the coding strand, the complement: NGF is on the minus strand). VCF-style: chr1-115286188-G-T. GRCh37 (hg19) VCF-style: chr1-115828809-G-T.
Other names: c.608C>A, p.Thr203Lys (NM_001437545.1); short protein forms T203K.
Identifiers: ClinVar variation 4755910 (VCV004755910.1).